The following is an entry in ClinVar:

ClinVar aggregate classification (germline): Uncertain significance (1 of 4 stars; one submission).

Conditions:
Vici syndrome (VICIS). Identifiers: Orphanet 1493, MedGen C1855772, MONDO:0009452, OMIM 242840.

Allele frequency attached by ClinVar (database versions not stated): gnomAD exomes below 0.00001; ExAC 0.00001; TOPMed 0.00001.
gnomAD v4.1: 3 of 1,564,186 alleles (0.00019%); highest among the groups gnomAD compares: East Asian, 0.0071%; no homozygotes.

Submission:

Labcorp Genetics (formerly Invitae), Labcorp
Classification: Uncertain significance for Vici syndrome. Last evaluated: 2026-01-05. Review status: criteria provided, single submitter. Criteria: Invitae Variant Classification Sherloc (09022015). Collection method: clinical testing. Allele origin: germline.
Comment: This sequence change replaces isoleucine, which is neutral and non-polar, with valine, which is neutral and non-polar, at codon 895 of the EPG5 protein (p.Ile895Val). The frequency data for this variant in the population databases is considered unreliable, as metrics indicate poor data quality at this position in the gnomAD database. This variant has not been reported in the literature in individuals affected with EPG5-related conditions. ClinVar contains an entry for this variant (Variation ID: 1939605). Invitae Evidence Modeling of protein sequence and biophysical properties (such as structural, functional, and spatial information, amino acid conservation, physicochemical variation, residue mobility, and thermodynamic stability) indicates that this missense variant is not expected to disrupt EPG5 protein function with a negative predictive value of 80%. In summary, the available evidence is currently insufficient to determine the role of this variant in disease. Therefore, it has been classified as a Variant of Uncertain Significance.

NM_020964.3(EPG5):c.2683A>G (p.Ile895Val)

Gene: EPG5 (ectopic P-granules 5 autophagy tethering factor; minus strand). Cytogenetic location: 18q21.1.
Variant type: single nucleotide variant.
Coding change: c.2683A>G on transcript NM_020964.3 (MANE Select); coding-DNA position 2683, A replaced by G.
Protein change: p.Ile895Val; replaces isoleucine 895 with valine.
Molecular consequence: missense variant.
Genome position (GRCh38, 1-based): chr18:45,925,773, T>C on the plus strand (A>G on the coding strand, the complement: EPG5 is on the minus strand). VCF-style: chr18-45925773-T-C. GRCh37 (hg19) VCF-style: chr18-43505739-T-C.
Other names: c.2683A>G, p.Ile895Val (NM_001410858.1, NM_001410859.1); short protein forms I895V.
Identifiers: ClinVar variation 1939605 (VCV001939605.3), dbSNP rs770869880, ClinGen allele CA8949369.